The following is an entry in ClinVar:

NM_005609.4(PYGM):c.1298AGG[1] (p.Glu434del)

Gene: PYGM (glycogen phosphorylase, muscle associated; minus strand). Cytogenetic location: 11q13.1.
Variant type: Microsatellite.
Coding change: c.1298AGG[1] on transcript NM_005609.4 (MANE Select); one copy of the 3-base unit AGG starting at c.1298; the reference has two copies in a row; one copy, 3 bases deleted.
Protein change: p.Glu434del; deletes glutamic acid 434.
Molecular consequence: inframe deletion.
Genome position (GRCh38, 1-based): chr11:64,753,619-64,753,621, CCT deleted on the plus strand (AGG on the coding strand, the reverse complement: PYGM is on the minus strand); deleting any 3 consecutive bases within chr11:64,753,619-64,753,626 gives the same sequence; the position shown is the placement nearest the transcript's 3' end. VCF-style (leftmost placement, unchanged base first): chr11-64753618-CCCT-C. GRCh37 (hg19) VCF-style: chr11-64521090-CCCT-C.
Other names: c.1034AGG[1], p.Glu346del (NM_001164716.1); short protein forms E346del, E434del.
Identifiers: ClinVar variation 2048855 (VCV002048855.4), dbSNP rs2496657306, ClinGen allele CA2580615713.

ClinVar aggregate classification (germline): Uncertain significance (1 of 4 stars; one submission).

Conditions:
Glycogen storage disease, type V (GSD5). Also called: MCARDLE DISEASE; MUSCLE GLYCOGEN PHOSPHORYLASE DEFICIENCY; MYOPHOSPHORYLASE DEFICIENCY; PYGM DEFICIENCY; McArdle type glycogen storage disease. Identifiers: Orphanet 368, MedGen C0017924, MONDO:0009293, OMIM 232600.

Submission:

Labcorp Genetics (formerly Invitae), Labcorp
Classification: Uncertain significance for Glycogen storage disease, type V. Last evaluated: 2022-08-15. Review status: criteria provided, single submitter. Criteria: Invitae Variant Classification Sherloc (09022015). Collection method: clinical testing. Allele origin: germline.
Comment: In summary, the available evidence is currently insufficient to determine the role of this variant in disease. Therefore, it has been classified as a Variant of Uncertain Significance. Experimental studies and prediction algorithms are not available or were not evaluated, and the functional significance of this variant is currently unknown. This variant has not been reported in the literature in individuals affected with PYGM-related conditions. This variant is not present in population databases (gnomAD no frequency). This variant, c.1301_1303del, results in the deletion of 1 amino acid(s) of the PYGM protein (p.Glu434del), but otherwise preserves the integrity of the reading frame.